The following is an entry in ClinVar:

NM_006147.4(IRF6):c.1138C>T (p.Pro380Ser)

Gene: IRF6 (interferon regulatory factor 6; minus strand). Cytogenetic location: 1q32.2.
Variant type: single nucleotide variant.
Coding change: c.1138C>T on transcript NM_006147.4 (MANE Select); coding-DNA position 1138, C replaced by T.
Protein change: p.Pro380Ser; replaces proline 380 with serine.
Molecular consequence: missense variant.
Genome position (GRCh38, 1-based): chr1:209,789,708, G>A on the plus strand (C>T on the coding strand, the complement: IRF6 is on the minus strand). VCF-style: chr1-209789708-G-A. GRCh37 (hg19) VCF-style: chr1-209963053-G-A.
Other names: c.853C>T, p.Pro285Ser (NM_001206696.2); short protein forms P285S, P380S.
Identifiers: ClinVar variation 1019576 (VCV001019576.10), dbSNP rs2077857559, ClinGen allele CA344574610.
Genomic context (GRCh38, chr1:209,789,708, plus strand): 5'-CACAGCCTTATCTTCTCACCTGAACCAAGATGAGTTTCCTTTCCAATGGTTTCCCATCTG[G>A]CCATTCTTCCCCAAAGCATAAGTAGATCTCAAACGGTGGCTGCTTCTCTATCTGTCCTTT-3'
Protein context (NP_006138.1, residues 370-390): EIYLCFGEEW[Pro380Ser]DGKPLERKLI

ClinVar aggregate classification (germline): Pathogenic (1 of 4 stars; one submission).

Conditions:
Orofacial cleft 6, susceptibility to (OFC6). Also called: CLEFT LIP WITH OR WITHOUT CLEFT PALATE, NONSYNDROMIC, 6. Identifiers: MedGen C1837213, MONDO:0012141, OMIM 608864.
Popliteal pterygium syndrome (PPS). Identifiers: Orphanet 294963, MedGen C0265259, MONDO:0017435.
Van der Woude syndrome. Identifiers: Orphanet 888, MedGen C0175697, MONDO:0019508.

Submission:

Labcorp Genetics (formerly Invitae), Labcorp
Classification: Pathogenic for Orofacial cleft 6, susceptibility to; Van der Woude syndrome; Popliteal pterygium syndrome. Last evaluated: 2021-04-02. Review status: criteria provided, single submitter. Criteria: Invitae Variant Classification Sherloc (09022015). Collection method: clinical testing. Allele origin: germline.
Comment: This sequence change replaces proline with serine at codon 380 of the IRF6 protein (p.Pro380Ser). The proline residue is highly conserved and there is a moderate physicochemical difference between proline and serine. For these reasons, this variant has been classified as Pathogenic. Algorithms developed to predict the effect of sequence changes on RNA splicing suggest that this variant may create or strengthen a splice site, but this prediction has not been confirmed by published transcriptional studies. Advanced modeling of protein sequence and biophysical properties (such as structural, functional, and spatial information, amino acid conservation, physicochemical variation, residue mobility, and thermodynamic stability) performed at Invitae indicates that this missense variant is expected to disrupt IRF6 protein function. This variant has been observed in individual(s) with clinical features of Van der Woude syndrome (PMID: 30982524, Invitae). It has also been observed to segregate with disease in related individuals. ClinVar contains an entry for this variant (Variation ID: 1019576). This variant is not present in population databases (ExAC no frequency).

Literature cited by the submitters: PubMed 30982524.